The following is an entry in ClinVar:

ClinVar aggregate classification (germline): Uncertain significance (1 of 4 stars; one submission).

Conditions:
DNA ligase IV deficiency. Identifiers: Orphanet 99812, MedGen C1847827, MONDO:0011686, OMIM 606593.

Allele frequency attached by ClinVar (database versions not stated): gnomAD exomes 0.00001.

Submission:

Labcorp Genetics (formerly Invitae), Labcorp
Classification: Uncertain significance for DNA ligase IV deficiency. Last evaluated: 2021-11-04. Review status: criteria provided, single submitter. Criteria: Invitae Variant Classification Sherloc (09022015). Collection method: clinical testing. Allele origin: germline.
Comment: In summary, the available evidence is currently insufficient to determine the role of this variant in disease. Therefore, it has been classified as a Variant of Uncertain Significance. Algorithms developed to predict the effect of missense changes on protein structure and function are either unavailable or do not agree on the potential impact of this missense change (SIFT: "Tolerated"; PolyPhen-2: "Possibly Damaging"; Align-GVGD: "Class C0"). This variant has not been reported in the literature in individuals affected with LIG4-related conditions. This variant is not present in population databases (gnomAD no frequency). This sequence change replaces glutamic acid, which is acidic and polar, with aspartic acid, which is acidic and polar, at codon 514 of the LIG4 protein (p.Glu514Asp).

NM_206937.2(LIG4):c.1542A>C (p.Glu514Asp)

Gene: LIG4 (DNA ligase 4; minus strand). Cytogenetic location: 13q33.3.
Variant type: single nucleotide variant.
Coding change: c.1542A>C on transcript NM_206937.2 (MANE Select); coding-DNA position 1542, A replaced by C.
Protein change: p.Glu514Asp; replaces glutamic acid 514 with aspartic acid.
Molecular consequence: missense variant.
Genome position (GRCh38, 1-based): chr13:108,209,727, T>G on the plus strand (A>C on the coding strand, the complement: LIG4 is on the minus strand). VCF-style: chr13-108209727-T-G. GRCh37 (hg19) VCF-style: chr13-108862075-T-G.
Other names: c.1542A>C, p.Glu514Asp (NM_001098268.2, NM_001352598.2, NM_001352599.2 and 6 more transcripts); c.1341A>C, p.Glu447Asp (NM_001330595.2); c.1578A>C, p.Glu526Asp (NM_001352604.2); short protein forms E514D, E526D, E447D.
Identifiers: ClinVar variation 1355790 (VCV001355790.6), dbSNP rs2138972951, ClinGen allele CA388616922.
Genomic context (GRCh38, chr13:108,209,727, plus strand): 5'-TGGAGCTTTTCTATGAAAAGGCTTCCAATACTTGGCCAATTTCAAACCCAGATCATACAG[T>G]TCTTTCATGGTGCAGCCAGACCCAACACGAGAGAGAGTATGAAACACAGATGGCTTCTCA-3'
Protein context (NP_996820.1, residues 504-524): SRVGSGCTMK[Glu514Asp]LYDLGLKLAK